The following is an entry in ClinVar:

ClinVar aggregate classification (germline): Likely benign. Review status: criteria provided, multiple submitters, no conflicts (2 of 4 stars). 3 submissions from 3 submitters: Likely benign (2). 1 of the submissions does not count toward it. Last evaluated 2024-10-17.

Conditions:
FZD4-related disorder. Also called: FZD4-related condition.

Allele frequency attached by ClinVar (database versions not stated): gnomAD exomes below 0.00001; ExAC 0.00001; gnomAD 0.00003; TOPMed 0.00004; 1000 Genomes Project 30x 0.00016; 1000 Genomes Project 0.00020.
gnomAD v4.1: 10 of 1,614,098 alleles (0.00062%); highest among the groups gnomAD compares: African/African-American, 0.0093%; no homozygotes.

Submissions (3):

Labcorp Genetics (formerly Invitae), Labcorp
Classification: Likely benign. Last evaluated: 2024-10-17. Review status: criteria provided, single submitter. Criteria: Invitae Variant Classification Sherloc (09022015). Collection method: clinical testing. Allele origin: germline.

Blueprint Genetics
Classification: Likely benign. Last evaluated: 2022-10-26. Review status: criteria provided, single submitter. Criteria: ACMG Guidelines, 2015. Collection method: clinical testing. Allele origin: germline.

PreventionGenetics, part of Exact Sciences
Classification: Likely benign for FZD4-related condition. Last evaluated: 2019-06-07. Review status: no assertion criteria provided. Collection method: clinical testing. Allele origin: germline. Not counted in ClinVar's aggregate classification.
Comment: This variant is classified as likely benign based on ACMG/AMP sequence variant interpretation guidelines (Richards et al. 2015 PMID: 25741868, with internal and published modifications).

NM_012193.4(FZD4):c.1506C>T (p.His502=)

Genes: FZD4 (frizzled class receptor 4; minus strand), PRSS23 (serine protease 23; plus strand). Cytogenetic location: 11q14.2.
Variant type: single nucleotide variant.
Coding change: c.1506C>T on transcript NM_012193.4 (MANE Select); coding-DNA position 1506, C replaced by T.
Protein change: p.His502=; no amino-acid change (histidine 502 retained).
Molecular consequence: synonymous variant. On other transcripts: non-coding transcript variant (2).
Genome position (GRCh38, 1-based): chr11:86,951,250, G>A on the plus strand (C>T on the coding strand, the complement: FZD4 is on the minus strand). VCF-style: chr11-86951250-G-A. GRCh37 (hg19) VCF-style: chr11-86662292-G-A.
Other names: c.1506C>T (NM_012193.3).
Identifiers: ClinVar variation 1109985 (VCV001109985.12), dbSNP rs192151920, ClinGen allele CA6218312.